The following is an entry in ClinVar:

ClinVar aggregate classification (germline): Uncertain significance. Review status: criteria provided, multiple submitters, no conflicts (2 of 4 stars). 3 submissions from 3 submitters: Uncertain significance (3). Last evaluated 2022-08-21.

Conditions:
Coffin-Lowry syndrome (CLS). Also called: COFFIN-LOWRY SYNDROME, MILD; Mental retardation with osteocartilaginous abnormalities. Identifiers: Orphanet 192, MedGen C0265252, MONDO:0010561, OMIM 303600.
Intellectual developmental disorder, X-linked 19. Also called: Intellectual disability, X-linked 19. Identifiers: Orphanet 777, MedGen C0796225, MONDO:0010447, OMIM 300844.

Allele frequency attached by ClinVar (database versions not stated): gnomAD exomes 0.00001.
gnomAD v4.1: 9 of 1,207,900 alleles (0.00075%); highest among the groups gnomAD compares: Non-Finnish European, 0.0009%; no homozygotes.

Submissions (3):

Labcorp Genetics (formerly Invitae), Labcorp
Classification: Uncertain significance for Coffin-Lowry syndrome; Intellectual developmental disorder, X-linked 19. Last evaluated: 2022-08-21. Review status: criteria provided, single submitter. Criteria: Invitae Variant Classification Sherloc (09022015). Collection method: clinical testing. Allele origin: germline.
Comment: In summary, the available evidence is currently insufficient to determine the role of this variant in disease. Therefore, it has been classified as a Variant of Uncertain Significance. Variants that disrupt the consensus splice site are a relatively common cause of aberrant splicing (PMID: 17576681, 9536098). Algorithms developed to predict the effect of sequence changes on RNA splicing suggest that this variant is not likely to affect RNA splicing. ClinVar contains an entry for this variant (Variation ID: 449093). This variant has not been reported in the literature in individuals affected with RPS6KA3-related conditions. This variant is present in population databases (no rsID available, gnomAD 0.001%). This sequence change falls in intron 20 of the RPS6KA3 gene. It does not directly change the encoded amino acid sequence of the RPS6KA3 protein. It affects a nucleotide within the consensus splice site.

Revvity Omics, Revvity
Classification: Uncertain significance. Last evaluated: 2020-07-23. Review status: criteria provided, single submitter. Criteria: ACMG Guidelines, 2015. Collection method: clinical testing. Allele origin: germline.

GeneDx
Classification: Uncertain significance. Last evaluated: 2015-07-21. Review status: criteria provided, single submitter. Criteria: GeneDx Variant Classification (06012015). Collection method: clinical testing. Allele origin: germline. Affected: yes.
Comment: The c.1960-3 C>T substitution has not been published as a variant, nor has it been reported as a benign polymorphism to our knowledge. It was not observed in approximately 6,500 individuals of European and African American ancestry in the NHLBI Exome Sequencing Project, indicating it is not a common benign variant in these populations. Multiple in silico splice prediction models suggest that c.1960-3 C>T may damage the natural splice acceptor site and lead to abnormal gene splicing. However, in the absence of RNA/functional studies, the actual effect of this sequence change this individual is unknown.

Literature cited by the submitters: PubMed 17576681 (cited by Labcorp Genetics (formerly Invitae), Labcorp); PubMed 9536098 (cited by Labcorp Genetics (formerly Invitae), Labcorp).

NM_004586.3(RPS6KA3):c.1960-3C>T

Gene: RPS6KA3 (ribosomal protein S6 kinase A3; minus strand). Cytogenetic location: Xp22.12.
Variant type: single nucleotide variant.
Coding change: c.1960-3C>T on transcript NM_004586.3 (MANE Select); 3 bases into the intron before coding-DNA position 1960, C replaced by T.
Molecular consequence: intron variant.
Genome position (GRCh38, 1-based): chrX:20,156,252, G>A on the plus strand (C>T on the coding strand, the complement: RPS6KA3 is on the minus strand). VCF-style: chrX-20156252-G-A. GRCh37 (hg19) VCF-style: chrX-20174370-G-A.
Identifiers: ClinVar variation 449093 (VCV000449093.9), dbSNP rs1207197365, ClinGen allele CA640848331.
Genomic context (GRCh38, chrX:20,156,252, plus strand): 5'-CAAGAGCAGCAGTCAGTCTCTGATGAGGGTCTACATGAAGCATCTTTGACACCAGGTCCT[G>A]TAATGGGAATAATAAAACAAGCTTAAACCTTTTGTTTTGCTTCTTTTTCTATGGCTCTTG-3'